The following is an entry in ClinVar:

NM_173651.4(FSIP2):c.19797G>C (p.Lys6599Asn)

Gene: FSIP2 (fibrous sheath interacting protein 2; plus strand). Cytogenetic location: 2q32.1.
Variant type: single nucleotide variant.
Coding change: c.19797G>C on transcript NM_173651.4 (MANE Select); coding-DNA position 19797, G replaced by C.
Protein change: p.Lys6599Asn; replaces lysine 6599 with asparagine.
Molecular consequence: missense variant.
Genome position (GRCh38, 1-based): chr2:185,809,103, G>C. VCF-style: chr2-185809103-G-C. GRCh37 (hg19) VCF-style: chr2-186673830-G-C.
Other names: short protein forms K6599N.
Identifiers: ClinVar variation 3037554 (VCV003037554.2), dbSNP rs116639972, ClinGen allele CA2017762.

ClinVar aggregate classification (germline): Likely benign (0 of 4 stars; one submission).

Conditions:
FSIP2-related disorder. Also called: FSIP2-related condition.

Allele frequency attached by ClinVar (database versions not stated): TOPMed 0.00589; 1000 Genomes Project 30x 0.00656; 1000 Genomes Project 0.00679; ESP Exome Variant Server 0.00727; gnomAD 0.00758; ExAC 0.01163.
gnomAD v4.1: 14,408 of 1,577,668 alleles (0.91%); highest among the groups gnomAD compares: South Asian, 2.3%; 118 homozygotes.

Submission:

PreventionGenetics, part of Exact Sciences
Classification: Likely benign for FSIP2-related condition. Last evaluated: 2019-02-20. Review status: no assertion criteria provided. Collection method: clinical testing. Allele origin: germline.
Comment: This variant is classified as likely benign based on ACMG/AMP sequence variant interpretation guidelines (Richards et al. 2015 PMID: 25741868, with internal and published modifications).